The following is an entry in ClinVar:

NM_024675.4(PALB2):c.516T>C (p.Ser172=)

Gene: PALB2 (partner and localizer of BRCA2; minus strand). Cytogenetic location: 16p12.2.
Variant type: single nucleotide variant.
Coding change: c.516T>C on transcript NM_024675.4 (MANE Select); coding-DNA position 516, T replaced by C.
Protein change: p.Ser172=; no amino-acid change (serine 172 retained).
Molecular consequence: synonymous variant. On other transcripts: 5 prime UTR variant (8), intron variant (3).
Genome position (GRCh38, 1-based): chr16:23,636,030, A>G on the plus strand (T>C on the coding strand, the complement: PALB2 is on the minus strand). VCF-style: chr16-23636030-A-G. GRCh37 (hg19) VCF-style: chr16-23647351-A-G.
Other names: c.456T>C, p.Ser152= (NM_001407296.1); c.516T>C, p.Ser172= (NM_001407297.1, NM_001407298.1, NM_001407299.1 and 3 more transcripts); c.-370T>C (NM_001407304.1, NM_001407305.1, NM_001407306.1 and 5 more transcripts); c.48+5080T>C (NM_001407314.1); c.-105+5080T>C (NM_001407313.1, NM_001407312.1).
Identifiers: ClinVar variation 3627510 (VCV003627510.3).

ClinVar aggregate classification (germline): Benign/Likely benign. Review status: criteria provided, multiple submitters, no conflicts (2 of 4 stars). 2 submissions from 2 submitters: Benign (1); Likely benign (1). Last evaluated 2025-01-10.

Conditions:
Familial cancer of breast. Also called: Hereditary breast cancer; hereditary breast carcinoma; BREAST CANCER, FAMILIAL. Identifiers: Orphanet 227535, MedGen C0346153, MONDO:0016419, OMIM 114480. Disease mechanism: loss of function.

Submissions (2):

Myriad Genetics, Inc.
Classification: Benign for Familial cancer of breast. Last evaluated: 2025-01-10. Review status: criteria provided, single submitter. Criteria: Myriad Autosomal Dominant, Autosomal Recessive and X-Linked Classification Criteria (2023). Collection method: clinical testing. Allele origin: unknown.
Comment: This variant is considered benign. This variant is a silent/synonymous amino acid change and it is not expected to impact splicing.

Labcorp Genetics (formerly Invitae), Labcorp
Classification: Likely benign for Familial cancer of breast. Last evaluated: 2024-11-04. Review status: criteria provided, single submitter. Criteria: Invitae Variant Classification Sherloc (09022015). Collection method: clinical testing. Allele origin: germline.